The following is an entry in ClinVar:

ClinVar aggregate classification (germline): Benign (1 of 4 stars; one submission).

Conditions:
Frank-Ter Haar syndrome. Also called: Borrone di Rocco Crovato syndrome; TER HAAR SYNDROME; MELNICK-NEEDLES SYNDROME, AUTOSOMAL RECESSIVE; BORRONE DERMATOCARDIOSKELETAL SYNDROME. Identifiers: Orphanet 1266, Orphanet 137834, MedGen C1855305, MONDO:0009579, OMIM 249420.

Allele frequency attached by ClinVar (database versions not stated): gnomAD exomes 0.00036; gnomAD 0.00419 and 0.00451; 1000 Genomes Project 0.00459; TOPMed 0.00467; 1000 Genomes Project 30x 0.00468.
gnomAD v4.1: 1,057 of 1,230,296 alleles (0.086%); highest among the groups gnomAD compares: African/African-American, 1.5%; 6 homozygotes.

Submission:

Illumina Laboratory Services, Illumina
Classification: Benign for Frank-Ter Haar syndrome. Last evaluated: 2018-01-13. Review status: criteria provided, single submitter. Criteria: ICSL Variant Classification Criteria 13 December 2019. Collection method: clinical testing. Allele origin: germline.
Comment: This variant was observed in the ICSL laboratory as part of a predisposition screen in an ostensibly healthy population. It had not been previously curated by ICSL or reported in the Human Gene Mutation Database (HGMD: prior to June 1st, 2018), and was therefore a candidate for classification through an automated scoring system. Utilizing variant allele frequency, disease prevalence and penetrance estimates, and inheritance mode, an automated score was calculated to assess if this variant is too frequent to cause the disease. Based on the score and internal cut-off values, a variant classified as benign is not then subjected to further curation. The score for this variant resulted in a classification of benign for this disease.

NM_001017995.3(SH3PXD2B):c.*2592G>A

Gene: SH3PXD2B (SH3 and PX domains 2B; minus strand). Cytogenetic location: 5q35.1.
Variant type: single nucleotide variant.
Coding change: c.*2592G>A on transcript NM_001017995.3 (MANE Select); 2592 bases downstream of the stop codon, G replaced by A.
Molecular consequence: 3 prime UTR variant. On other transcripts: intron variant (1).
Genome position (GRCh38, 1-based): chr5:172,335,777, C>T on the plus strand (G>A on the coding strand, the complement: SH3PXD2B is on the minus strand). VCF-style: chr5-172335777-C-T. GRCh37 (hg19) VCF-style: chr5-171762781-C-T.
Other names: c.1188+10359G>A (NM_001308175.2).
Identifiers: ClinVar variation 906132 (VCV000906132.4), dbSNP rs112710819, ClinGen allele CA132180274.